The following is an entry in ClinVar:

NM_005918.4(MDH2):c.645G>A (p.Lys215=)

Gene: MDH2 (malate dehydrogenase 2; plus strand). Cytogenetic location: 7q11.23.
Variant type: single nucleotide variant.
Coding change: c.645G>A on transcript NM_005918.4 (MANE Select); coding-DNA position 645, G replaced by A.
Protein change: p.Lys215=; no amino-acid change (lysine 215 retained).
Molecular consequence: synonymous variant.
Genome position (GRCh38, 1-based): chr7:76,064,350, G>A. VCF-style: chr7-76064350-G-A. GRCh37 (hg19) VCF-style: chr7-75693668-G-A.
Other names: c.519G>A, p.Lys173= (NM_001282403.2); c.324G>A, p.Lys108= (NM_001282404.2); c.645G>A (NM_005918.2).
Identifiers: ClinVar variation 3031794 (VCV003031794.3), dbSNP rs2535871524, ClinGen allele CA456076806.

ClinVar aggregate classification (germline): Likely benign. Review status: criteria provided, single submitter (1 of 4 stars). 2 submissions from 2 submitters: Likely benign (1). 1 of the submissions does not count toward it. Last evaluated 2023-12-23.

Conditions:
MDH2-related disorder. Also called: MDH2-related condition.
Inborn genetic diseases. Identifiers: MedGen C0950123, MeSH D030342.

Submissions (2):

Ambry Genetics
Classification: Likely benign for Inborn genetic diseases. Last evaluated: 2023-12-23. Review status: criteria provided, single submitter. Criteria: Ambry Variant Classification Scheme 2023. Collection method: clinical testing. Allele origin: germline.

PreventionGenetics, part of Exact Sciences
Classification: Likely benign for MDH2-related condition. Last evaluated: 2020-08-20. Review status: no assertion criteria provided. Collection method: clinical testing. Allele origin: germline. Not counted in ClinVar's aggregate classification.
Comment: This variant is classified as likely benign based on ACMG/AMP sequence variant interpretation guidelines (Richards et al. 2015 PMID: 25741868, with internal and published modifications).